The following is an entry in ClinVar:

NM_022089.4(ATP13A2):c.2326G>A (p.Val776Ile)

Gene: ATP13A2 (ATPase cation transporting 13A2; minus strand). Cytogenetic location: 1p36.13.
Variant type: single nucleotide variant.
Coding change: c.2326G>A on transcript NM_022089.4 (MANE Select); coding-DNA position 2326, G replaced by A.
Protein change: p.Val776Ile; replaces valine 776 with isoleucine.
Molecular consequence: missense variant.
Genome position (GRCh38, 1-based): chr1:16,990,213, C>T on the plus strand (G>A on the coding strand, the complement: ATP13A2 is on the minus strand). VCF-style: chr1-16990213-C-T. GRCh37 (hg19) VCF-style: chr1-17316708-C-T.
Other names: c.2311G>A, p.Val771Ile (NM_001141973.3, NM_001141974.3); c.2326G>A (NM_022089.2); short protein forms V771I, V776I.
Identifiers: ClinVar variation 1433838 (VCV001433838.5), dbSNP rs56170027, ClinGen allele CA636878.
Genomic context (GRCh38, chr1:16,990,213, plus strand): 5'-ACTCCATCGGCAGGAACTCGAGAGAGGCAGGCTGACCCCGCTCAGGGTGGGTGGCGTGGA[C>T]GATGATCAGATGCTCCTGGGGGGCCACCATGCCACAGCCCCGGGCCACAGTCACCGCTGT-3'
Protein context (NP_071372.1, residues 766-786): MVAPQEHLII[Val776Ile]HATHPERGQP

ClinVar aggregate classification (germline): Conflicting classifications of pathogenicity. Review status: criteria provided, conflicting classifications (1 of 4 stars). 3 submissions from 3 submitters: Uncertain significance (1); Likely benign (2). Last evaluated 2023-03-31.

Conditions:
Inborn genetic diseases. Identifiers: MedGen C0950123, MeSH D030342.
Kufor-Rakeb syndrome (KRS). Also called: PARKINSON DISEASE 9, AUTOSOMAL RECESSIVE, JUVENILE-ONSET. Identifiers: Orphanet 306674, Orphanet 314632, MedGen C1847640, MONDO:0011706, OMIM 606693.
Autosomal recessive spastic paraplegia type 78. Identifiers: Orphanet 513436, MedGen C5567893, MONDO:0014975, OMIM 617225.

Submissions (3):

Blueprint Genetics
Classification: Likely benign. Last evaluated: 2023-03-31. Review status: criteria provided, single submitter. Criteria: ACMG Guidelines, 2015. Collection method: clinical testing. Allele origin: germline.

Ambry Genetics
Classification: Likely benign for Inborn genetic diseases. Last evaluated: 2022-09-25. Review status: criteria provided, single submitter. Criteria: Ambry Variant Classification Scheme 2023. Collection method: clinical testing. Allele origin: germline.

Labcorp Genetics (formerly Invitae), Labcorp
Classification: Uncertain significance for Kufor-Rakeb syndrome; Autosomal recessive spastic paraplegia type 78. Last evaluated: 2021-10-23. Review status: criteria provided, single submitter. Criteria: Invitae Variant Classification Sherloc (09022015). Collection method: clinical testing. Allele origin: germline.
Comment: This sequence change replaces valine with isoleucine at codon 776 of the ATP13A2 protein (p.Val776Ile). The valine residue is weakly conserved and there is a small physicochemical difference between valine and isoleucine. This variant is present in population databases (rs56170027, ExAC 0.01%). This variant has been observed in individual(s) with parkinsonism (PMID: 19085912). Advanced modeling of protein sequence and biophysical properties (such as structural, functional, and spatial information, amino acid conservation, physicochemical variation, residue mobility, and thermodynamic stability) performed at Invitae indicates that this missense variant is not expected to disrupt ATP13A2 protein function. In summary, the available evidence is currently insufficient to determine the role of this variant in disease. Therefore, it has been classified as a Variant of Uncertain Significance.

Literature cited by the submitters: PubMed 19085912 (cited by Labcorp Genetics (formerly Invitae), Labcorp).